The following is an entry in ClinVar:

ClinVar aggregate classification (germline): Conflicting classifications of pathogenicity. Review status: criteria provided, conflicting classifications (1 of 4 stars). 12 submissions from 12 submitters: Uncertain significance (3); Benign (1); Likely benign (5). 3 of the submissions do not count toward it. Last evaluated 2026-01-12.

Conditions:
PITPNM3-related disorder. Also called: PITPNM3-related condition.
Retinal dystrophy. Also called: Inherited retinal dystrophy. Identifiers: Orphanet 71862, MedGen C0854723, MeSH D058499, MONDO:0019118, HP:0000556.
Retinitis pigmentosa (RP). Identifiers: Orphanet 791, MedGen C0035334, MeSH D012174, MONDO:0019200, OMIM 268000. Inheritance: Autosomal dominant, autosomal recessive and X linked inheritance.
Cone-rod dystrophy 5 (CORD5). Identifiers: Orphanet 1872, MedGen C1832976, MONDO:0010969, OMIM 600977.

Allele frequency attached by ClinVar (database versions not stated): gnomAD 0.00209 and 0.00212; gnomAD exomes 0.00394 and 0.00160; TOPMed 0.00212; 1000 Genomes Project 30x 0.00172; 1000 Genomes Project 0.00140; ExAC 0.00144.
gnomAD v4.1: 6,045 of 1,613,304 alleles (0.37%); highest among the groups gnomAD compares: Non-Finnish European, 0.48%; 30 homozygotes.

Submissions (12):

Labcorp Genetics (formerly Invitae), Labcorp
Classification: Likely benign. Last evaluated: 2026-01-12. Review status: criteria provided, single submitter. Criteria: Invitae Variant Classification Sherloc (09022015). Collection method: clinical testing. Allele origin: germline.

CeGaT Center for Human Genetics Tuebingen
Classification: Likely benign. Last evaluated: 2025-03-01. Review status: criteria provided, single submitter. Criteria: CeGaT Center For Human Genetics Tuebingen Variant Classification Criteria Version 2. Collection method: clinical testing. Allele origin: germline. Affected: yes. Observed: 2 variant alleles.
Comment: PITPNM3: BS1

Blueprint Genetics
Classification: Likely benign. Last evaluated: 2024-11-22. Review status: criteria provided, single submitter. Criteria: ACMG Guidelines, 2015. Collection method: clinical testing. Allele origin: germline.

Institute of Human Genetics, Univ. Regensburg, Univ. Regensburg
Classification: Uncertain significance for Retinal dystrophy. Last evaluated: 2022-01-01. Review status: criteria provided, single submitter. Criteria: ACMG Guidelines, 2015. Collection method: clinical testing. Allele origin: germline. Affected: yes.

Victorian Clinical Genetics Services, Murdoch Childrens Research Institute
Classification: Likely benign for Cone-rod dystrophy 5. Last evaluated: 2020-05-21. Review status: criteria provided, single submitter. Criteria: ACMG Guidelines, 2015. Collection method: clinical testing. Allele origin: germline. Inheritance: Autosomal dominant inheritance.
Comment: A heterozygous missense variant was identified, NM_031220.3(PITPNM3):c.1878G>C in exon 14 of the PITPNM3 gene. This substitution is predicted to create a minor amino acid change from a glutamine to a histidine at position 626 of the protein; NP_112497.2(PITPNM3):p.(Gln626His). The glutamine at this position has low conservation (100 vertebrates, UCSC), and is not situated in a known functional domain (NCBI, PDB). In silico software predicts this variant to be tolerated (PolyPhen2, PROVEAN, MutationAssessor, FATHMM). The variant is present in the gnomAD population database at a global population frequency of 0.16% (455 heterozygotes, 0 homozygotes) with a European sub-population frequency of 0.31%. This variant has been previously reported with conflicting interpretations of pathogenicity in patients with cone-rod dystrophy (ClinVar, Reinis A. et al. (2013), Zhao, L. et al (2015), Khan, K. et al (2017), Jespersgaard, C. et al. (2019)). Based on information available at the time of curation, this variant has been classified as LIKELY BENIGN.

Illumina Laboratory Services, Illumina
Classification: Benign for Cone-rod dystrophy 5. Last evaluated: 2018-03-06. Review status: criteria provided, single submitter. Criteria: ICSL Variant Classification Criteria 13 December 2019. Collection method: clinical testing. Allele origin: germline.
Comment: This variant was observed in the ICSL laboratory as part of a predisposition screen in an ostensibly healthy population. It had not been previously curated by ICSL or reported in the Human Gene Mutation Database (HGMD: prior to June 1st, 2018), and was therefore a candidate for classification through an automated scoring system. Utilizing variant allele frequency, disease prevalence and penetrance estimates, and inheritance mode, an automated score was calculated to assess if this variant is too frequent to cause the disease. Based on the score and internal cut-off values, a variant classified as benign is not then subjected to further curation. The score for this variant resulted in a classification of benign for this disease.

GeneDx
Classification: Likely benign. Last evaluated: 2017-10-19. Review status: criteria provided, single submitter. Criteria: GeneDx Variant Classification (06012015). Collection method: clinical testing. Allele origin: germline. Affected: yes.
Comment: This variant is considered likely benign or benign based on one or more of the following criteria: it is a conservative change, it occurs at a poorly conserved position in the protein, it is predicted to be benign by multiple in silico algorithms, and/or has population frequency not consistent with disease.

Mayo Clinic Laboratories, Mayo Clinic
Classification: Uncertain significance for Cone-rod dystrophy 5. Last evaluated: 2016-04-01. Review status: criteria provided, single submitter. Criteria: ACMG Guidelines, 2015. Collection method: clinical testing. Allele origin: paternal.

Eurofins Ntd Llc (ga)
Classification: Uncertain significance. Last evaluated: 2015-02-20. Review status: criteria provided, single submitter. Criteria: EGL Classification Definitions 2015. Collection method: clinical testing. Allele origin: germline. Observed: 2 variant alleles, 2 heterozygotes.

PreventionGenetics, part of Exact Sciences
Classification: Likely benign for PITPNM3-related condition. Last evaluated: 2020-02-14. Review status: no assertion criteria provided. Collection method: clinical testing. Allele origin: germline. Not counted in ClinVar's aggregate classification.
Comment: This variant is classified as likely benign based on ACMG/AMP sequence variant interpretation guidelines (Richards et al. 2015 PMID: 25741868, with internal and published modifications).

Department of Clinical Genetics, Copenhagen University Hospital, Rigshospitalet
Classification: Uncertain significance for Retinitis pigmentosa. Last evaluated: 2018-04-01. Review status: no assertion criteria provided. Collection method: research. Allele origin: unknown. Affected: yes. Study: VeluxRD. Not counted in ClinVar's aggregate classification.

OMIM
Classification: Pathogenic for CONE-ROD DYSTROPHY 5. Last evaluated: 2007-06-01. Review status: flagged submission. Collection method: literature only. Allele origin: germline. Not counted in ClinVar's aggregate classification.
ClinVar note: Reason: Outlier claim with insufficient supporting evidence

Literature cited by the submitters: PubMed 17377520 (cited by 3 submitters); PubMed 20981092 (cited by Institute of Human Genetics, Univ. Regensburg, Univ. Regensburg); PubMed 22995991 (cited by Institute of Human Genetics, Univ. Regensburg, Univ. Regensburg); PubMed 22405330 (cited by 3 submitters); PubMed 25525159 (cited by Institute of Human Genetics, Univ. Regensburg, Univ. Regensburg); PubMed 25472526 (cited by Institute of Human Genetics, Univ. Regensburg, Univ. Regensburg and Victorian Clinical Genetics Services, Murdoch Childrens Research Institute); PubMed 27160483 (cited by Institute of Human Genetics, Univ. Regensburg, Univ. Regensburg and Victorian Clinical Genetics Services, Murdoch Childrens Research Institute); PubMed 30910914 (cited by Institute of Human Genetics, Univ. Regensburg, Univ. Regensburg); PubMed 32483926 (cited by Institute of Human Genetics, Univ. Regensburg, Univ. Regensburg); PubMed 30718709 (cited by Victorian Clinical Genetics Services, Murdoch Childrens Research Institute and Department of Clinical Genetics, Copenhagen University Hospital, Rigshospitalet); PubMed 8586428 (cited by OMIM).

NM_031220.4(PITPNM3):c.1878G>C (p.Gln626His)

Gene: PITPNM3 (PITPNM family member 3; minus strand). Cytogenetic location: 17p13.2.
Variant type: single nucleotide variant.
Coding change: c.1878G>C on transcript NM_031220.4 (MANE Select); coding-DNA position 1878, G replaced by C.
Protein change: p.Gln626His; replaces glutamine 626 with histidine.
Molecular consequence: missense variant.
Genome position (GRCh38, 1-based): chr17:6,468,237, C>G on the plus strand (G>C on the coding strand, the complement: PITPNM3 is on the minus strand). VCF-style: chr17-6468237-C-G. GRCh37 (hg19) VCF-style: chr17-6371557-C-G.
Other names: c.1770G>C, p.Gln590His (NM_001165966.2); short protein forms Q626H, Q590H.
Identifiers: ClinVar variation 1994 (VCV000001994.65), dbSNP rs76024428, ClinGen allele CA234554.